The following is an entry in ClinVar:

NM_032242.4(PLXNA1):c.1024G>T (p.Ala342Ser)

Gene: PLXNA1 (plexin A1; plus strand). Cytogenetic location: 3q21.3.
Variant type: single nucleotide variant.
Coding change: c.1024G>T on transcript NM_032242.4 (MANE Select); coding-DNA position 1024, G replaced by T.
Protein change: p.Ala342Ser; replaces alanine 342 with serine.
Molecular consequence: missense variant.
Genome position (GRCh38, 1-based): chr3:126,989,617, G>T. VCF-style: chr3-126989617-G-T. GRCh37 (hg19) VCF-style: chr3-126708460-G-T.
Other names: short protein forms A342S.
Identifiers: ClinVar variation 3349762 (VCV003349762.1).

ClinVar aggregate classification (germline): Uncertain significance (0 of 4 stars; one submission).

Conditions:
PLXNA1-related disorder. Also called: PLXNA1-related condition.

gnomAD v4.1: 1 of 1,613,122 alleles (0.000062%); highest among the groups gnomAD compares: Non-Finnish European, 0.000085%; no homozygotes.

Submission:

PreventionGenetics, part of Exact Sciences
Classification: Uncertain significance for PLXNA1-related condition. Last evaluated: 2024-01-04. Review status: no assertion criteria provided. Collection method: clinical testing. Allele origin: germline.
Comment: The PLXNA1 c.1024G>T variant is predicted to result in the amino acid substitution p.Ala342Ser. To our knowledge, this variant has not been reported in the literature. This variant is reported in 0.00088% of alleles in individuals of European (Non-Finnish) descent in gnomAD. At this time, the clinical significance of this variant is uncertain due to the absence of conclusive functional and genetic evidence.